The following is an entry in ClinVar:

NM_207352.4(CYP4V2):c.1069del (p.His357fs)

Gene: CYP4V2 (cytochrome P450 family 4 subfamily V member 2; plus strand). Cytogenetic location: 4q35.2.
Variant type: Deletion.
Coding change: c.1069del on transcript NM_207352.4 (MANE Select); coding-DNA position 1069, one base deleted (C; older notation c.1069delC).
Protein change: p.His357fs; shifts the reading frame from histidine 357.
Molecular consequence: frameshift variant.
Genome position (GRCh38, 1-based): chr4:186,205,281, C deleted. VCF-style (leftmost placement, unchanged base first): chr4-186205280-TC-T. GRCh37 (hg19) VCF-style: chr4-187126434-TC-T.
Other names: short protein forms H357fs.
Identifiers: ClinVar variation 2794912 (VCV002794912.3), dbSNP rs754614260, ClinGen allele CA3162729.

ClinVar aggregate classification (germline): Pathogenic (1 of 4 stars; one submission).

Allele frequency attached by ClinVar (database versions not stated): ExAC 0.00001; TOPMed 0.00001.

Submission:

Labcorp Genetics (formerly Invitae), Labcorp
Classification: Pathogenic. Last evaluated: 2023-10-05. Review status: criteria provided, single submitter. Criteria: Invitae Variant Classification Sherloc (09022015). Collection method: clinical testing. Allele origin: germline.
Comment: This sequence change creates a premature translational stop signal (p.His357Metfs*16) in the CYP4V2 gene. It is expected to result in an absent or disrupted protein product. Loss-of-function variants in CYP4V2 are known to be pathogenic (PMID: 15042513, 25118264). This variant is present in population databases (rs754614260, gnomAD 0.003%). This variant has not been reported in the literature in individuals affected with CYP4V2-related conditions. Algorithms developed to predict the effect of sequence changes on RNA splicing suggest that this variant may disrupt the consensus splice site. For these reasons, this variant has been classified as Pathogenic.

Literature cited by the submitters: PubMed 15042513; PubMed 25118264.